The following is an entry in ClinVar:

ClinVar aggregate classification (germline): Uncertain significance (1 of 4 stars; one submission).

Submission:

GeneDx
Classification: Uncertain significance. Last evaluated: 2026-01-22. Review status: criteria provided, single submitter. Criteria: GeneDx Variant Classification Process June 2021. Collection method: clinical testing. Allele origin: germline.
Comment: Not observed at significant frequency in large population cohorts (gnomAD); In silico analysis suggests that this missense variant does not alter protein structure/function; Has not been previously published as pathogenic or benign to our knowledge

NM_001303052.2(MYT1L):c.2123G>C (p.Gly708Ala)

Gene: MYT1L (myelin transcription factor 1 like; minus strand). Cytogenetic location: 2p25.3.
Variant type: single nucleotide variant.
Coding change: c.2123G>C on transcript NM_001303052.2 (MANE Select); coding-DNA position 2123, G replaced by C.
Protein change: p.Gly708Ala; replaces glycine 708 with alanine.
Molecular consequence: missense variant.
Genome position (GRCh38, 1-based): chr2:1,892,197, C>G on the plus strand (G>C on the coding strand, the complement: MYT1L is on the minus strand). VCF-style: chr2-1892197-C-G. GRCh37 (hg19) VCF-style: chr2-1895969-C-G.
Other names: c.2123G>C, p.Gly708Ala (NM_001329844.2, NM_001329845.1, NM_001329851.3); c.2117G>C, p.Gly706Ala (NM_001329846.3, NM_001329847.2, NM_001329848.1 and 3 more transcripts); short protein forms G706A, G708A.
Identifiers: ClinVar variation 3384332 (VCV003384332.2).